The following is an entry in ClinVar:

ClinVar aggregate classification (germline): Benign/Likely benign. Review status: criteria provided, multiple submitters, no conflicts (2 of 4 stars). 3 submissions from 3 submitters: Benign (1); Likely benign (1). 1 of the submissions does not count toward it. Last evaluated 2025-11-04.

Conditions:
ANO6-related disorder. Also called: ANO6-related condition.

Allele frequency attached by ClinVar (database versions not stated): TOPMed 0.00133; ESP Exome Variant Server 0.00138; 1000 Genomes Project 30x 0.00187; 1000 Genomes Project 0.00200; gnomAD exomes 0.00013; ExAC 0.00042; gnomAD 0.00121.
gnomAD v4.1: 379 of 1,609,620 alleles (0.024%); highest among the groups gnomAD compares: African/African-American, 0.46%; 2 homozygotes.

Submissions (3):

Labcorp Genetics (formerly Invitae), Labcorp
Classification: Benign. Last evaluated: 2025-11-04. Review status: criteria provided, single submitter. Criteria: Invitae Variant Classification Sherloc (09022015). Collection method: clinical testing. Allele origin: germline.

Women's Health and Genetics/Laboratory Corporation of America, LabCorp
Classification: Likely benign. Last evaluated: 2024-09-04. Review status: criteria provided, single submitter. Criteria: LabCorp Variant Classification Summary - May 2015. Collection method: clinical testing. Allele origin: germline.

PreventionGenetics, part of Exact Sciences
Classification: Likely benign for ANO6-related condition. Last evaluated: 2024-02-08. Review status: no assertion criteria provided. Collection method: clinical testing. Allele origin: germline. Not counted in ClinVar's aggregate classification.
Comment: This variant is classified as likely benign based on ACMG/AMP sequence variant interpretation guidelines (Richards et al. 2015 PMID: 25741868, with internal and published modifications).

NM_001025356.3(ANO6):c.231T>C (p.Asp77=)

Gene: ANO6 (anoctamin 6; plus strand). Cytogenetic location: 12q12.
Variant type: single nucleotide variant.
Coding change: c.231T>C on transcript NM_001025356.3 (MANE Select); coding-DNA position 231, T replaced by C.
Protein change: p.Asp77=; no amino-acid change (aspartic acid 77 retained).
Molecular consequence: synonymous variant.
Genome position (GRCh38, 1-based): chr12:45,331,375, T>C. VCF-style: chr12-45331375-T-C. GRCh37 (hg19) VCF-style: chr12-45725158-T-C.
Other names: c.177T>C, p.Asp59= (NM_001142678.2); c.231T>C, p.Asp77= (NM_001142679.2); c.294T>C, p.Asp98= (NM_001204803.2); c.198T>C, p.Asp66= (NM_001410973.1); c.231T>C (NM_001025356.2).
Identifiers: ClinVar variation 2069489 (VCV002069489.7), dbSNP rs138413111, ClinGen allele CA6524923.
Genomic context (GRCh38, chr12:45,331,375, plus strand): 5'-TGACTCCCTCTTTTTTAATGATGGCCAGCGAAGAATTGACTTTGTTCTAGTATATGAGGA[T>C]GAAAGCAGAAAAGAGACCAATAAAAAGGGTACAAATGAAAAACAAAGGGTAAGTTTTTAT-3'
Protein context (NP_001020527.2, residues 67-87): RRIDFVLVYE[Asp77=]ESRKETNKKG